The following is an entry in ClinVar:

ClinVar aggregate classification (germline): Conflicting classifications of pathogenicity. Review status: criteria provided, conflicting classifications (1 of 4 stars). 2 submissions from 2 submitters: Uncertain significance (1); Likely benign (1). Last evaluated 2025-11-22.

Conditions:
PFKM-related disorder. Also called: PFKM-related condition.
Glycogen storage disease, type VII (GSD7). Also called: TARUI DISEASE; GSD VII; MUSCLE PHOSPHOFRUCTOKINASE DEFICIENCY; PFKM DEFICIENCY. Identifiers: Orphanet 371, MedGen C0017926, MONDO:0009295, OMIM 232800.

Allele frequency attached by ClinVar (database versions not stated): gnomAD exomes 0.00001; ExAC 0.00002; gnomAD 0.00002; TOPMed 0.00008.
gnomAD v4.1: 16 of 1,610,224 alleles (0.00099%); highest among the groups gnomAD compares: Admixed American, 0.017%; no homozygotes.

Submissions (2):

PreventionGenetics, part of Exact Sciences
Classification: Likely benign for PFKM-related condition. Last evaluated: 2025-11-22. Review status: criteria provided, single submitter. Criteria: ACMG Guidelines, 2015. Collection method: clinical testing. Allele origin: germline.
Comment: This variant is classified as likely benign based on ACMG/AMP sequence variant interpretation guidelines (Richards et al. 2015 PMID: 25741868, with internal and published modifications).

Labcorp Genetics (formerly Invitae), Labcorp
Classification: Uncertain significance for Glycogen storage disease, type VII. Last evaluated: 2022-07-13. Review status: criteria provided, single submitter. Criteria: Invitae Variant Classification Sherloc (09022015). Collection method: clinical testing. Allele origin: germline.
Comment: This sequence change falls in intron 12 of the PFKM gene. It does not directly change the encoded amino acid sequence of the PFKM protein. It affects a nucleotide within the consensus splice site. This variant is present in population databases (rs775936867, gnomAD 0.02%). This variant has not been reported in the literature in individuals affected with PFKM-related conditions. Variants that disrupt the consensus splice site are a relatively common cause of aberrant splicing (PMID: 17576681, 9536098). Algorithms developed to predict the effect of sequence changes on RNA splicing suggest that this variant may disrupt the consensus splice site. In summary, the available evidence is currently insufficient to determine the role of this variant in disease. Therefore, it has been classified as a Variant of Uncertain Significance.

Literature cited by the submitters: PubMed 17576681 (cited by Labcorp Genetics (formerly Invitae), Labcorp); PubMed 9536098 (cited by Labcorp Genetics (formerly Invitae), Labcorp).

NM_000289.6(PFKM):c.1127+6G>T

Gene: PFKM (phosphofructokinase, muscle; plus strand). Cytogenetic location: 12q13.11.
Variant type: single nucleotide variant.
Coding change: c.1127+6G>T on transcript NM_000289.6 (MANE Select); 6 bases into the intron after coding-DNA position 1127, G replaced by T.
Molecular consequence: intron variant. On other transcripts: non-coding transcript variant (3).
Genome position (GRCh38, 1-based): chr12:48,139,355, G>T. VCF-style: chr12-48139355-G-T. GRCh37 (hg19) VCF-style: chr12-48533138-G-T.
Other names: c.1151+6G>T (NM_001354741.2); c.1127+6G>T (NM_001354742.2, NM_001354743.2, NM_001354744.2 and 3 more transcripts); c.977+6G>T (NM_001354747.2, NM_001354748.2); c.1340+6G>T (NM_001166686.2, NM_001354737.1, NM_001354739.1 and 1 more transcripts); c.1436+6G>T (NM_001354736.1, NM_001354735.1); c.1271+6G>T (NM_001354740.1); c.1040+6G>T (NM_001354745.2); c.1001+6G>T (NM_001354746.2); and 1 more.
Identifiers: ClinVar variation 2075225 (VCV002075225.2), dbSNP rs775936867, ClinGen allele CA6537220.